The following is an entry in ClinVar:

NM_003136.4(SRP54):c.94C>G (p.Leu32Val)

Gene: SRP54 (signal recognition particle 54; plus strand). Cytogenetic location: 14q13.2.
Variant type: single nucleotide variant.
Coding change: c.94C>G on transcript NM_003136.4 (MANE Select); coding-DNA position 94, C replaced by G.
Protein change: p.Leu32Val; replaces leucine 32 with valine.
Molecular consequence: missense variant. On other transcripts: intron variant (1).
Genome position (GRCh38, 1-based): chr14:34,999,573, C>G. VCF-style: chr14-34999573-C-G. GRCh37 (hg19) VCF-style: chr14-35468779-C-G.
Other names: c.94C>G, p.Leu32Val (NM_001411017.1); c.24-1363C>G (NM_001146282.2); short protein forms L32V.
Identifiers: ClinVar variation 1717926 (VCV001717926.5), dbSNP rs2502712884, ClinGen allele CA389436463.

ClinVar aggregate classification (germline): Uncertain significance (1 of 4 stars; one submission).

Submission:

Labcorp Genetics (formerly Invitae), Labcorp
Classification: Uncertain significance. Last evaluated: 2022-08-24. Review status: criteria provided, single submitter. Criteria: Invitae Variant Classification Sherloc (09022015). Collection method: clinical testing. Allele origin: germline.
Comment: In summary, the available evidence is currently insufficient to determine the role of this variant in disease. Therefore, it has been classified as a Variant of Uncertain Significance. Algorithms developed to predict the effect of missense changes on protein structure and function are either unavailable or do not agree on the potential impact of this missense change (SIFT: "Deleterious"; PolyPhen-2: "Benign"; Align-GVGD: "Class C25"). This variant has not been reported in the literature in individuals affected with SRP54-related conditions. This variant is not present in population databases (gnomAD no frequency). This sequence change replaces leucine, which is neutral and non-polar, with valine, which is neutral and non-polar, at codon 32 of the SRP54 protein (p.Leu32Val).